The following is an entry in ClinVar:

NM_001374828.1(ARID1B):c.6382G>A (p.Val2128Met)

Gene: ARID1B (AT-rich interaction domain 1B; plus strand). Cytogenetic location: 6q25.3.
Variant type: single nucleotide variant.
Coding change: c.6382G>A on transcript NM_001374828.1 (MANE Select); coding-DNA position 6382, G replaced by A.
Protein change: p.Val2128Met; replaces valine 2128 with methionine.
Molecular consequence: missense variant.
Genome position (GRCh38, 1-based): chr6:157,207,154, G>A. VCF-style: chr6-157207154-G-A. GRCh37 (hg19) VCF-style: chr6-157528288-G-A.
Other names: c.3883G>A, p.Val1295Met (NM_001363725.2); c.6262G>A, p.Val2088Met (NM_001371656.1, NM_001374820.1); c.6511G>A, p.Val2171Met (NM_001438482.1); c.6424G>A, p.Val2142Met (NM_001438483.1); c.6292G>A, p.Val2098Met (NM_001438485.1); c.6265G>A, p.Val2089Met (NM_001438486.1); c.6202G>A, p.Val2068Met (NM_001438487.1); c.3724G>A, p.Val1242Met (NM_001438488.1); and 1 more; short protein forms V1242M, V1295M, V2068M, V2075M, V2088M, V2089M, V2098M, V2128M.
Identifiers: ClinVar variation 4689166 (VCV004689166.1).

ClinVar aggregate classification (germline): Uncertain significance (1 of 4 stars; one submission).

gnomAD v4.1: 17 of 1,614,236 alleles (0.0011%); highest among the groups gnomAD compares: Non-Finnish European, 0.0013%; no homozygotes.

Submission:

Women's Health and Genetics/Laboratory Corporation of America, LabCorp
Classification: Uncertain significance. Last evaluated: 2026-01-21. Review status: criteria provided, single submitter. Criteria: LabCorp Variant Classification Summary - May 2015. Collection method: clinical testing. Allele origin: germline.
Comment: Variant summary: ARID1B c.6382G>A (p.Val2128Met) results in a conservative amino acid change in the encoded protein sequence. Algorithms developed to predict the effect of missense changes on protein structure and function are either unavailable or do not agree on the potential impact of this missense change. The variant was absent in 251460 control chromosomes. The available data on variant occurrences in the general population are insufficient to allow any conclusion about variant significance. To our knowledge, no occurrence of c.6382G>A in individuals affected with ARID1B-related conditions and no experimental evidence demonstrating its impact on protein function have been reported. No submitters have cited clinical-significance assessments for this variant to ClinVar. Based on the evidence outlined above, the variant was classified as uncertain significance.